The following is an entry in ClinVar:

ClinVar aggregate classification (germline): Pathogenic (1 of 4 stars; one submission).

Conditions:
Glycogen storage disease, type II (IOPD). Also called: Glucosidase acid-1,4-alpha deficiency; Pompe Disease; CARDIOMEGALIA GLYCOGENICA DIFFUSA; GLYCOGENOSIS, GENERALIZED, CARDIAC FORM; GSD II; ACID MALTASE DEFICIENCY, INFANTILE-ONSET. Identifiers: Orphanet 365, MedGen C0017921, MONDO:0009290, OMIM 232300.

Submission:

Labcorp Genetics (formerly Invitae), Labcorp
Classification: Pathogenic for Glycogen storage disease, type II. Last evaluated: 2019-12-30. Review status: criteria provided, single submitter. Criteria: Invitae Variant Classification Sherloc (09022015). Collection method: clinical testing. Allele origin: germline.
Comment: This variant is a gross deletion of the genomic region encompassing exon 18 of the GAA gene. This leads to an in-frame deletion, preserving the integrity of the reading frame. Loss-of-function variants, including gross deletions, in GAA are known to be pathogenic. Deletion of exon 18 has been reported in the literature in multiple individuals affected with glycogen storage disease type II, also known as Pompe disease (PMID: 18607768, 8558570, 17723315, 15121988, 19588081, 25752415, 24844452). This deletion is also known as c.2481+102_2646+31del (p.Gly828_Asn882del) in the literature. For these reasons, this variant has been classified as Pathogenic.

Literature cited by the submitters: PubMed 19588081; PubMed 15121988; PubMed 8558570; PubMed 24844452; PubMed 17723315; PubMed 18607768; PubMed 25752415.

NC_000017.11:g.(?_80118183)_(80118367_?)del

Gene: GAA (alpha glucosidase; plus strand). Cytogenetic location: 17q25.3.
Variant type: Deletion.
Identifiers: ClinVar variation 648526 (VCV000648526.2).